The following is an entry in ClinVar:

NM_032383.5(HPS3):c.2279A>G (p.Asp760Gly)

Gene: HPS3 (HPS3 biogenesis of lysosomal organelles complex 2 subunit 1; plus strand). Cytogenetic location: 3q24.
Variant type: single nucleotide variant.
Coding change: c.2279A>G on transcript NM_032383.5 (MANE Select); coding-DNA position 2279, A replaced by G.
Protein change: p.Asp760Gly; replaces aspartic acid 760 with glycine.
Molecular consequence: missense variant.
Genome position (GRCh38, 1-based): chr3:149,162,320, A>G. VCF-style: chr3-149162320-A-G. GRCh37 (hg19) VCF-style: chr3-148880107-A-G.
Other names: c.1784A>G, p.Asp595Gly (NM_001308258.2); short protein forms D595G, D760G.
Identifiers: ClinVar variation 3009793 (VCV003009793.3), dbSNP rs201624572, ClinGen allele CA354924195.

ClinVar aggregate classification (germline): Uncertain significance (1 of 4 stars; one submission).

gnomAD v4.1: 1 of 1,613,966 alleles (0.000062%); highest among the groups gnomAD compares: Non-Finnish European, 0.000085%; no homozygotes.

Submission:

Labcorp Genetics (formerly Invitae), Labcorp
Classification: Uncertain significance. Last evaluated: 2023-11-27. Review status: criteria provided, single submitter. Criteria: Invitae Variant Classification Sherloc (09022015). Collection method: clinical testing. Allele origin: germline.
Comment: This sequence change replaces aspartic acid, which is acidic and polar, with glycine, which is neutral and non-polar, at codon 760 of the HPS3 protein (p.Asp760Gly). This variant is not present in population databases (gnomAD no frequency). This variant has not been reported in the literature in individuals affected with HPS3-related conditions. Advanced modeling of protein sequence and biophysical properties (such as structural, functional, and spatial information, amino acid conservation, physicochemical variation, residue mobility, and thermodynamic stability) performed at Invitae indicates that this missense variant is expected to disrupt HPS3 protein function with a positive predictive value of 80%. In summary, the available evidence is currently insufficient to determine the role of this variant in disease. Therefore, it has been classified as a Variant of Uncertain Significance.